The following is an entry in ClinVar:

ClinVar aggregate classification (germline): Pathogenic (1 of 4 stars; one submission).

Conditions:
Cranioectodermal dysplasia 2 (CED2). Identifiers: Orphanet 1515, MedGen C3150874, MONDO:0013323, OMIM 613610.
Short-rib thoracic dysplasia 7 with or without polydactyly (SRTD7). Also called: Short rib polydactyly syndrome 5; SHORT-RIB THORACIC DYSPLASIA 7 WITH POLYDACTYLY. Identifiers: Orphanet 498497, Orphanet 93271, MedGen C3279792, MONDO:0013569, OMIM 614091.

Allele frequency attached by ClinVar (database versions not stated): gnomAD 0.00002; gnomAD exomes 0.00002 and 0.00004; TOPMed 0.00002; ExAC 0.00005; ESP Exome Variant Server 0.00008.

Submission:

Labcorp Genetics (formerly Invitae), Labcorp
Classification: Pathogenic for Cranioectodermal dysplasia 2; Short-rib thoracic dysplasia 7 with or without polydactyly. Last evaluated: 2025-06-03. Review status: criteria provided, single submitter. Criteria: Invitae Variant Classification Sherloc (09022015). Collection method: clinical testing. Allele origin: germline.
Comment: This sequence change creates a premature translational stop signal (p.Thr577*) in the WDR35 gene. It is expected to result in an absent or disrupted protein product. Loss-of-function variants in WDR35 are known to be pathogenic (PMID: 22486404, 29068549). This variant is present in population databases (rs766096320, gnomAD 0.1%). This variant has not been reported in the literature in individuals affected with WDR35-related conditions. ClinVar contains an entry for this variant (Variation ID: 1368965). For these reasons, this variant has been classified as Pathogenic.

Literature cited by the submitters: PubMed 22486404; PubMed 29068549.

NM_020779.4(WDR35):c.1694_1695dup (p.Thr566Ter)

Gene: WDR35 (WD repeat domain 35; minus strand). Cytogenetic location: 2p24.1.
Variant type: Duplication.
Coding change: c.1694_1695dup on transcript NM_020779.4 (MANE Select); coding-DNA positions 1694 to 1695, 2 bases duplicated (TA; older notation c.1694_1695dupTA).
Protein change: p.Thr566Ter; replaces threonine 566 with a stop codon.
Molecular consequence: nonsense.
Genome position (GRCh38, 1-based): chr2:19,945,936-19,945,937, TA duplicated on the plus strand (TA on the coding strand, the reverse complement: WDR35 is on the minus strand). VCF-style (leftmost placement, unchanged base first): chr2-19945935-T-TTA. GRCh37 (hg19) VCF-style: chr2-20145696-T-TTA.
Other names: c.1727_1728dup, p.Thr577Ter (NM_001006657.2); short protein forms T566*, T577*.
Identifiers: ClinVar variation 1368965 (VCV001368965.4), dbSNP rs766096320, ClinGen allele CA1543131.